The following is an entry in ClinVar:

NM_032776.3(JMJD1C):c.4844G>A (p.Arg1615Lys)

Gene: JMJD1C (jumonji domain containing 1C; minus strand). Cytogenetic location: 10q21.3.
Variant type: single nucleotide variant.
Coding change: c.4844G>A on transcript NM_032776.3 (MANE Select); coding-DNA position 4844, G replaced by A.
Protein change: p.Arg1615Lys; replaces arginine 1615 with lysine.
Molecular consequence: missense variant. On other transcripts: non-coding transcript variant (1).
Genome position (GRCh38, 1-based): chr10:63,206,825, C>T on the plus strand (G>A on the coding strand, the complement: JMJD1C is on the minus strand). VCF-style: chr10-63206825-C-T. GRCh37 (hg19) VCF-style: chr10-64966585-C-T.
Other names: c.4298G>A, p.Arg1433Lys (NM_001282948.2, NM_001318154.2); c.3980G>A, p.Arg1327Lys (NM_001318153.2); c.4730G>A, p.Arg1577Lys (NM_001322252.2); c.4187G>A, p.Arg1396Lys (NM_001322254.2, NM_001322258.2); short protein forms R1396K, R1433K, R1577K, R1327K, R1615K.
Identifiers: ClinVar variation 3112327 (VCV003112327.3), dbSNP rs2492664615, ClinGen allele CA377036229.

ClinVar aggregate classification (germline): Uncertain significance. Review status: criteria provided, multiple submitters, no conflicts (2 of 4 stars). 2 submissions from 2 submitters: Uncertain significance (2). Last evaluated 2024-02-02.

Conditions:
Early Myoclonic Encephalopathy. Identifiers: MedGen C0270855.

Submissions (2):

Labcorp Genetics (formerly Invitae), Labcorp
Classification: Uncertain significance for Early Myoclonic Encephalopathy. Last evaluated: 2024-02-02. Review status: criteria provided, single submitter. Criteria: Invitae Variant Classification Sherloc (09022015). Collection method: clinical testing. Allele origin: germline.
Comment: This sequence change replaces arginine, which is basic and polar, with lysine, which is basic and polar, at codon 1615 of the JMJD1C protein (p.Arg1615Lys). This variant is not present in population databases (gnomAD no frequency). This variant has not been reported in the literature in individuals affected with JMJD1C-related conditions. Advanced modeling of protein sequence and biophysical properties (such as structural, functional, and spatial information, amino acid conservation, physicochemical variation, residue mobility, and thermodynamic stability) performed at Invitae indicates that this missense variant is not expected to disrupt JMJD1C protein function with a negative predictive value of 80%. In summary, the available evidence is currently insufficient to determine the role of this variant in disease. Therefore, it has been classified as a Variant of Uncertain Significance.

Ambry Genetics
Classification: Uncertain significance. Last evaluated: 2023-12-15. Review status: criteria provided, single submitter. Criteria: Ambry Variant Classification Scheme 2023. Collection method: clinical testing. Allele origin: germline.